The following is an entry in ClinVar:

ClinVar aggregate classification (germline): Likely pathogenic (1 of 4 stars; one submission).

Conditions:
Hyperthyroidism. Identifiers: MedGen C0020550, MONDO:0004425, HP:0000836.

Submission:

Cambridge Genomics Laboratory, East Genomic Laboratory Hub, NHS Genomic Medicine Service
Classification: Likely pathogenic for Hyperthyroidism. Last evaluated: 2026-04-17. Review status: criteria provided, single submitter. Criteria: ACGS Best Practice Guidelines for Variant Classification in Rare Disease 2020. Collection method: clinical testing. Allele origin: germline. Affected: yes.
Comment: PM1_Supporting,PM2,PM5_Supporting,PP2,PP4

NM_001354712.2(THRB):c.964G>A (p.Asp322Asn)

Gene: THRB (thyroid hormone receptor beta; minus strand). Cytogenetic location: 3p24.2.
Variant type: single nucleotide variant.
Coding change: c.964G>A on transcript NM_001354712.2 (MANE Select); coding-DNA position 964, G replaced by A.
Protein change: p.Asp322Asn; replaces aspartic acid 322 with asparagine.
Molecular consequence: missense variant.
Genome position (GRCh38, 1-based): chr3:24,127,679, C>T on the plus strand (G>A on the coding strand, the complement: THRB is on the minus strand). VCF-style: chr3-24127679-C-T. GRCh37 (hg19) VCF-style: chr3-24169170-C-T.
Other names: c.964G>A, p.Asp322Asn (NM_000461.5, NM_001128176.3, NM_001128177.2 and 12 more transcripts); c.871G>A, p.Asp291Asn (NM_001354714.2, NM_001354715.2); short protein forms D291N, D322N.
Identifiers: ClinVar variation 4820259 (VCV004820259.1).